The following is an entry in ClinVar:

NM_000245.4(MET):c.2834T>A (p.Leu945Gln)

Gene: MET (MET proto-oncogene, receptor tyrosine kinase; plus strand). Cytogenetic location: 7q31.2.
Variant type: single nucleotide variant.
Coding change: c.2834T>A on transcript NM_000245.4 (MANE Select); coding-DNA position 2834, T replaced by A.
Protein change: p.Leu945Gln; replaces leucine 945 with glutamine.
Molecular consequence: missense variant.
Genome position (GRCh38, 1-based): chr7:116,771,601, T>A. VCF-style: chr7-116771601-T-A. GRCh37 (hg19) VCF-style: chr7-116411655-T-A.
Other names: c.2888T>A, p.Leu963Gln (NM_001127500.3); c.1544T>A, p.Leu515Gln (NM_001324402.2); short protein forms L515Q, L963Q, L945Q.
Identifiers: ClinVar variation 1797245 (VCV001797245.2), dbSNP rs2116992666, ClinGen allele CA368986625.

ClinVar aggregate classification (germline): Uncertain significance (1 of 4 stars; one submission).

Conditions:
Hereditary cancer-predisposing syndrome. Also called: Tumor predisposition; Hereditary Cancer Syndrome; Neoplastic Syndromes, Hereditary; Hereditary neoplastic syndrome. Identifiers: Orphanet 140162, MedGen C0027672, MeSH D009386, MONDO:0015356.

Submission:

Ambry Genetics
Classification: Uncertain significance for Hereditary cancer-predisposing syndrome. Last evaluated: 2020-02-03. Review status: criteria provided, single submitter. Criteria: Ambry Variant Classification Scheme 2023. Collection method: clinical testing. Allele origin: germline.
Comment: The p.L963Q variant (also known as c.2888T>A), located in coding exon 12 of the MET gene, results from a T to A substitution at nucleotide position 2888. The leucine at codon 963 is replaced by glutamine, an amino acid with dissimilar properties. This amino acid position is not well conserved in available vertebrate species. In addition, the in silico prediction for this alteration is inconclusive. Since supporting evidence is limited at this time, the clinical significance of this alteration remains unclear.